The following is an entry in ClinVar:

ClinVar aggregate classification (germline): Likely benign. Review status: criteria provided, multiple submitters, no conflicts (2 of 4 stars). 2 submissions from 2 submitters: Likely benign (2). Last evaluated 2024-10-24.

Allele frequency attached by ClinVar (database versions not stated): gnomAD exomes 0.00001; gnomAD 0.00002; TOPMed 0.00002.
gnomAD v4.1: 13 of 1,549,236 alleles (0.00084%); highest among the groups gnomAD compares: East Asian, 0.0049%; no homozygotes.

Submissions (2):

Labcorp Genetics (formerly Invitae), Labcorp
Classification: Likely benign. Last evaluated: 2024-10-24. Review status: criteria provided, single submitter. Criteria: Invitae Variant Classification Sherloc (09022015). Collection method: clinical testing. Allele origin: germline.

CeGaT Center for Human Genetics Tuebingen
Classification: Likely benign. Last evaluated: 2023-12-01. Review status: criteria provided, single submitter. Criteria: CeGaT Center For Human Genetics Tuebingen Variant Classification Criteria Version 2. Collection method: clinical testing. Allele origin: germline. Affected: yes. Observed: 1 variant allele.
Comment: PIEZO1: BP4

NM_001142864.4(PIEZO1):c.5030G>A (p.Arg1677Gln)

Gene: PIEZO1 (piezo type mechanosensitive ion channel component 1 (Er blood group); minus strand). Cytogenetic location: 16q24.3.
Variant type: single nucleotide variant.
Coding change: c.5030G>A on transcript NM_001142864.4 (MANE Select); coding-DNA position 5030, G replaced by A.
Protein change: p.Arg1677Gln; replaces arginine 1677 with glutamine.
Molecular consequence: missense variant.
Genome position (GRCh38, 1-based): chr16:88,721,992, C>T on the plus strand (G>A on the coding strand, the complement: PIEZO1 is on the minus strand). VCF-style: chr16-88721992-C-T. GRCh37 (hg19) VCF-style: chr16-88788400-C-T.
Other names: c.3572G>A, p.Arg1191Gln (NM_014745.1); short protein forms R1191Q, R1677Q.
Identifiers: ClinVar variation 3026037 (VCV003026037.24), dbSNP rs1411995127, ClinGen allele CA397093638.